The following is an entry in ClinVar:

NM_003742.4(ABCB11):c.1417_1418insTGATTCCTTC (p.Asp473fs)

Gene: ABCB11 (ATP binding cassette subfamily B member 11; minus strand). Cytogenetic location: 2q31.1.
Variant type: Insertion.
Coding change: c.1417_1418insTGATTCCTTC on transcript NM_003742.4 (MANE Select); coding-DNA positions 1417 to 1418, TGATTCCTTC inserted.
Protein change: p.Asp473fs; shifts the reading frame from aspartic acid 473.
Molecular consequence: frameshift variant.
Genome position: GRCh38 VCF-style: chr2-168973731-T-TGAAGGAATCA. GRCh37 (hg19) VCF-style: chr2-169830241-T-TGAAGGAATCA.
Other names: NM_003742.4(ABCB11):c.1417_1418insTGATTCCTTC; p.Asp473fs; c.1417_1418insTGATTCCTTC, p.Asp473fs (LRG_1199t1); short protein forms D473fs.
Identifiers: ClinVar variation 639069 (VCV000639069.7), dbSNP rs1574453508, ClinGen allele CA915942178.
Genomic context (GRCh38, chr2:168,973,731, plus strand): 5'-CTTTACTGTCCCCATGTATTGAGGAGTTTCTGGAAGACACCCACCATTCCTTCACAGGGG[T>TGAAGGAATCA]CATAGAATCGCTGAATGAGTTGCAGTGCTGTACTTTTTCCAGCTCCACTGGGTCCTACCA-3'

ClinVar aggregate classification (germline): Pathogenic/Likely pathogenic. Review status: criteria provided, multiple submitters, no conflicts (2 of 4 stars). 2 submissions from 2 submitters: Pathogenic (1); Likely pathogenic (1). Last evaluated 2025-01-27.

Conditions:
Progressive familial intrahepatic cholestasis type 2. Identifiers: Orphanet 79304, MedGen C3489789, MONDO:0011156, OMIM 601847.

Allele frequency attached by ClinVar (database versions not stated): gnomAD exomes below 0.00001.

Submissions (2):

Broad Center for Mendelian Genomics, Broad Institute of MIT and Harvard
Classification: Likely pathogenic for Progressive familial intrahepatic cholestasis type 2. Last evaluated: 2025-01-27. Review status: criteria provided, single submitter. Criteria: ACMG Guidelines, 2015. Collection method: curation. Allele origin: germline. Inheritance: Autosomal recessive inheritance.
Comment: The p.Asp473ValfsTer7 variant in ABCB11 has not been previously reported in the literature in individuals with BSEP deficiency, but has been identified in 0.00008% (1/1178456) in European (non-Finnish) chromosomes by the Genome Aggregation Database (gnomAD; dbSNP rs1574453508). Although this variant has been seen in the general population in a heterozygous state, its frequency is low enough to be consistent with a recessive carrier frequency. This variant has also been reported in ClinVar (Variation ID: 639069) and has been interpreted as pathogenic by Invitae. This variant is predicted to cause a frameshift, which alters the protein‚Äôs amino acid sequence beginning at position 473 and leads to a premature termination codon 7 amino acids downstream. This alteration is then predicted to lead to a truncated or absent protein. Loss of function of the ABCB11 gene is an established disease mechanism in autosomal recessive BSEP deficiency. In summary, although additional studies are required to fully establish its clinical significance, this variant is likely pathogenic for autosomal recessive BSEP deficiency. ACMG/AMP Criteria applied: PVS1, PM2_supporting (Richards 2015).

Labcorp Genetics (formerly Invitae), Labcorp
Classification: Pathogenic. Last evaluated: 2018-10-25. Review status: criteria provided, single submitter. Criteria: Invitae Variant Classification Sherloc (09022015). Collection method: clinical testing. Allele origin: germline.
Comment: For these reasons, this variant has been classified as Pathogenic. Loss-of-function variants in ABCB11 are known to be pathogenic (PMID: 18395098, 20232290). This variant has not been reported in the literature in individuals with ABCB11-related disease. This variant is not present in population databases (ExAC no frequency). This sequence change creates a premature translational stop signal (p.Asp473Valfs*7) in the ABCB11 gene. It is expected to result in an absent or disrupted protein product.

Literature cited by the submitters: PubMed 18395098 (cited by Labcorp Genetics (formerly Invitae), Labcorp); PubMed 20232290 (cited by Labcorp Genetics (formerly Invitae), Labcorp).